The following is an entry in ClinVar:

ClinVar aggregate classification (germline): Uncertain significance. Review status: criteria provided, multiple submitters, no conflicts (2 of 4 stars). 2 submissions from 2 submitters: Uncertain significance (2). Last evaluated 2022-05-03.

Conditions:
Autosomal recessive Parkinson disease 14. Also called: PARKINSON DISEASE 14; DYSTONIA-PARKINSONISM, ADULT-ONSET. Identifiers: Orphanet 199351, MedGen C2751842, MONDO:0013060, OMIM 612953.

gnomAD v4.1: 1 of 1,614,244 alleles (0.000062%); highest among the groups gnomAD compares: South Asian, 0.0011%; no homozygotes.

Submissions (2):

MGZ Medical Genetics Center
Classification: Uncertain significance for Autosomal recessive Parkinson disease 14. Last evaluated: 2022-05-03. Review status: criteria provided, single submitter. Criteria: ACMG Guidelines, 2015. Collection method: clinical testing. Allele origin: germline. Affected: yes. Observed: 1 variant allele.
Comment: ACMG criteria applied: PM2_SUP, PP3

CeGaT Center for Human Genetics Tuebingen
Classification: Uncertain significance. Last evaluated: 2019-02-01. Review status: criteria provided, single submitter. Criteria: CeGaT Center For Human Genetics Tuebingen Variant Classification Criteria Version 2. Collection method: clinical testing. Allele origin: germline. Affected: yes. Observed: 1 variant allele.

NM_003560.4(PLA2G6):c.29C>A (p.Thr10Asn)

Gene: PLA2G6 (phospholipase A2 group VI; minus strand). Cytogenetic location: 22q13.1.
Variant type: single nucleotide variant.
Coding change: c.29C>A on transcript NM_003560.4 (MANE Select); coding-DNA position 29, C replaced by A.
Protein change: p.Thr10Asn; replaces threonine 10 with asparagine.
Molecular consequence: missense variant. On other transcripts: 5 prime UTR variant (3).
Genome position (GRCh38, 1-based): chr22:38,169,398, G>T on the plus strand (C>A on the coding strand, the complement: PLA2G6 is on the minus strand). VCF-style: chr22-38169398-G-T. GRCh37 (hg19) VCF-style: chr22-38565405-G-T.
Other names: c.29C>A, p.Thr10Asn (NM_001199562.3, NM_001349864.2, NM_001349865.2 and 2 more transcripts); c.-637C>A (NM_001349867.2, NM_001349869.2); c.-462C>A (NM_001349868.2); short protein forms T10N.
Identifiers: ClinVar variation 809370 (VCV000809370.44), dbSNP rs1323819447, ClinGen allele CA411521126.
Genomic context (GRCh38, chr22:38,169,398, plus strand): 5'-GCCACAGCCACCTCCTTCACCCGGAATGGGTTAGAGAACAAGTTGGTGACGCCACTGAAG[G>T]TATTGACCAGGCGGCCAAAGAACTGCATCTTCTGCGGGGCAGGTGGGGAGGCCCCACCGT-3'
Protein context (NP_003551.2, residues 1-20): MQFFGRLVN[Thr10Asn]FSGVTNLFSN